The following is an entry in ClinVar:

ClinVar aggregate classification (germline): Likely benign. Review status: criteria provided, multiple submitters, no conflicts (2 of 4 stars). 3 submissions from 3 submitters: Likely benign (3). Last evaluated 2024-10-08.

Allele frequency attached by ClinVar (database versions not stated): gnomAD 0.00005 and 0.00006; ExAC 0.00007; gnomAD exomes 0.00008; TOPMed 0.00009.
gnomAD v4.1: 160 of 1,613,456 alleles (0.0099%); highest among the groups gnomAD compares: Middle Eastern, 0.44%; no homozygotes.

Submissions (3):

Blueprint Genetics
Classification: Likely benign. Last evaluated: 2024-10-08. Review status: criteria provided, single submitter. Criteria: ACMG Guidelines, 2015. Collection method: clinical testing. Allele origin: germline.

CeGaT Center for Human Genetics Tuebingen
Classification: Likely benign. Last evaluated: 2024-05-01. Review status: criteria provided, single submitter. Criteria: CeGaT Center For Human Genetics Tuebingen Variant Classification Criteria Version 2. Collection method: clinical testing. Allele origin: germline. Affected: yes. Observed: 5 variant alleles.
Comment: SLC45A1: BP4, BP7

Breakthrough Genomics
Classification: Likely benign. Review status: criteria provided, single submitter. Criteria: ACMG Guidelines, 2015. Collection method: not provided. Allele origin: germline. Inheritance: Autosomal recessive inheritance. Affected: yes.

NM_001080397.3(SLC45A1):c.2208T>G (p.Ala736=)

Gene: SLC45A1 (solute carrier family 45 member 1; plus strand). Cytogenetic location: 1p36.23.
Variant type: single nucleotide variant.
Coding change: c.2208T>G on transcript NM_001080397.3 (MANE Select); coding-DNA position 2208, T replaced by G.
Protein change: p.Ala736=; no amino-acid change (alanine 736 retained).
Molecular consequence: synonymous variant.
Genome position (GRCh38, 1-based): chr1:8,343,974, T>G. VCF-style: chr1-8343974-T-G. GRCh37 (hg19) VCF-style: chr1-8404034-T-G.
Other names: c.2232T>G, p.Ala744= (NM_001379614.1); c.2139T>G, p.Ala713= (NM_001379615.1); c.2115T>G, p.Ala705= (NM_001379616.1); c.1626T>G, p.Ala542= (NM_001379617.1); c.1602T>G, p.Ala534= (NM_001379618.1).
Identifiers: ClinVar variation 1013225 (VCV001013225.40), dbSNP rs776071189, ClinGen allele CA570645.